The following is an entry in ClinVar:

ClinVar aggregate classification (germline): Uncertain significance (1 of 4 stars; one submission).

Submission:

Dasa
Classification: Uncertain significance. Last evaluated: 2025-08-27. Review status: criteria provided, single submitter. Criteria: DASA Assertion Criteria. Collection method: clinical testing. Allele origin: germline.
Comment: NM_000126.4(ETFA):c.452-10T>G is a splice-region variant predicted to affect normal RNA splicing. This variant is absent from population databases. Computational prediction algorithms are consistent with a deleterious effect. The currently available literature and clinical evidence are not sufficient to establish a definitive association between this variant and the reported condition. Therefore, this variant is classified as a variant of uncertain significance.

NM_000126.4(ETFA):c.452-10T>G

Gene: ETFA (electron transfer flavoprotein subunit alpha; minus strand). Cytogenetic location: 15q24.2.
Variant type: single nucleotide variant.
Coding change: c.452-10T>G on transcript NM_000126.4 (MANE Select); 10 bases into the intron before coding-DNA position 452, T replaced by G.
Molecular consequence: intron variant.
Genome position (GRCh38, 1-based): chr15:76,286,491, A>C on the plus strand (T>G on the coding strand, the complement: ETFA is on the minus strand). VCF-style: chr15-76286491-A-C. GRCh37 (hg19) VCF-style: chr15-76578832-A-C.
Other names: c.305-10T>G (NM_001127716.2).
Identifiers: ClinVar variation 4883077 (VCV004883077.2).